The following is an entry in ClinVar:

ClinVar aggregate classification (germline): Uncertain significance (1 of 4 stars; one submission).

Conditions:
Colorectal cancer, hereditary nonpolyposis, type 7. Identifiers: Orphanet 144, MedGen C1858380, MONDO:0013725, OMIM 614385.

Submission:

Labcorp Genetics (formerly Invitae), Labcorp
Classification: Uncertain significance for Colorectal cancer, hereditary nonpolyposis, type 7. Last evaluated: 2023-04-06. Review status: criteria provided, single submitter. Criteria: Invitae Variant Classification Sherloc (09022015). Collection method: clinical testing. Allele origin: germline.
Comment: This variant is not present in population databases (gnomAD no frequency). This sequence change replaces lysine, which is basic and polar, with asparagine, which is neutral and polar, at codon 170 of the MLH3 protein (p.Lys170Asn). This variant has not been reported in the literature in individuals affected with MLH3-related conditions. An algorithm developed to predict the effect of missense changes on protein structure and function (PolyPhen-2) suggests that this variant is likely to be tolerated. In summary, the available evidence is currently insufficient to determine the role of this variant in disease. Therefore, it has been classified as a Variant of Uncertain Significance.

NM_001040108.2(MLH3):c.510G>T (p.Lys170Asn)

Gene: MLH3 (mutL homolog 3; minus strand). Cytogenetic location: 14q24.3.
Variant type: single nucleotide variant.
Coding change: c.510G>T on transcript NM_001040108.2 (MANE Select); coding-DNA position 510, G replaced by T.
Protein change: p.Lys170Asn; replaces lysine 170 with asparagine.
Molecular consequence: missense variant.
Genome position (GRCh38, 1-based): chr14:75,049,146, C>A on the plus strand (G>T on the coding strand, the complement: MLH3 is on the minus strand). VCF-style: chr14-75049146-C-A. GRCh37 (hg19) VCF-style: chr14-75515849-C-A.
Other names: c.510G>T, p.Lys170Asn (NM_014381.3); short protein forms K170N.
Identifiers: ClinVar variation 2852999 (VCV002852999.3), dbSNP rs746983446, ClinGen allele CA390450002.